The following is an entry in ClinVar:

ClinVar aggregate classification (germline): Conflicting classifications of pathogenicity. Review status: criteria provided, conflicting classifications (1 of 4 stars). 5 submissions from 5 submitters: Uncertain significance (4); Likely benign (1). Last evaluated 2026-04-07.

Conditions:
X-linked distal spinal muscular atrophy type 3. Also called: SPINAL MUSCULAR ATROPHY, DISTAL, X-LINKED RECESSIVE; ATP7A-Related Distal Motor Neuropathy; NEURONOPATHY, DISTAL HEREDITARY MOTOR, X-LINKED; NEUROPATHY, DISTAL HEREDITARY MOTOR, X-LINKED. Identifiers: Orphanet 139557, MedGen C1845359, MONDO:0010338, OMIM 300489.
Menkes kinky-hair syndrome (MNK). Also called: Copper transport disease; Menkes Disease; Classic Menkes Disease. Identifiers: Orphanet 565, MedGen C0022716, MONDO:0010651, OMIM 309400.
Cutis laxa, X-linked (OHS). Also called: Occipital horn syndrome; EDS IX. Identifiers: Orphanet 198, MedGen C0268353, MONDO:0010572, OMIM 304150.

Allele frequency attached by ClinVar (database versions not stated): gnomAD exomes below 0.00001; ExAC 0.00002; TOPMed 0.00003; gnomAD 0.00004.
gnomAD v4.1: 6 of 1,209,500 alleles (0.0005%); highest among the groups gnomAD compares: Middle Eastern, 0.046%; 1 homozygote.

Submissions (5):

Centre for Medical Genetics,  Mumbai
Classification: Likely benign for Menkes kinky-hair syndrome. Last evaluated: 2026-04-07. Review status: criteria provided, single submitter. Criteria: ACMG Guidelines, 2015. Collection method: provider interpretation. Allele origin: germline. Inheritance: X-linked recessive inheritance. Affected: no. Observed: 1 variant allele, 1 homozygote.
Comment: The variant satisfies PM2 criteria - extremely low frequency in gnomAD population databases. The variant satisfies BS2 criteria - Variant was observed in a homozygous state in population databases more than expected for disease. However, the variant satisfies BS2 criteria - present in an individual in a homozygous state that clinically does not have Menkes disease.

Dasa
Classification: Uncertain significance. Last evaluated: 2026-01-08. Review status: criteria provided, single submitter. Criteria: DASA Assertion Criteria. Collection method: clinical testing. Allele origin: germline.
Comment: NM_000052.7(ATP7A):c.2068G>C (p.Glu690Gln) is a missense variant that results in the substitution of glutamic acid with glutamine. This variant has been reported in individuals with ATP7A-related disorders (PMID: 34440436). Also, this variant is rare in population databases. The currently available literature and clinical evidence are not sufficient to establish a definitive association between this variant and the reported condition. Therefore, this variant is classified as a variant of uncertain significance.

Labcorp Genetics (formerly Invitae), Labcorp
Classification: Uncertain significance for X-linked distal spinal muscular atrophy type 3; Cutis laxa, X-linked; Menkes kinky-hair syndrome. Last evaluated: 2024-09-24. Review status: criteria provided, single submitter. Criteria: Invitae Variant Classification Sherloc (09022015). Collection method: clinical testing. Allele origin: germline.
Comment: This sequence change replaces glutamic acid, which is acidic and polar, with glutamine, which is neutral and polar, at codon 690 of the ATP7A protein (p.Glu690Gln). This variant is not present in population databases (gnomAD no frequency). This missense change has been observed in individual(s) with myoclonus action tremor (PMID: 34440436). ClinVar contains an entry for this variant (Variation ID: 2039626). Invitae Evidence Modeling of protein sequence and biophysical properties (such as structural, functional, and spatial information, amino acid conservation, physicochemical variation, residue mobility, and thermodynamic stability) indicates that this missense variant is not expected to disrupt ATP7A protein function with a negative predictive value of 95%. In summary, the available evidence is currently insufficient to determine the role of this variant in disease. Therefore, it has been classified as a Variant of Uncertain Significance.

GeneDx
Classification: Uncertain significance. Last evaluated: 2024-05-10. Review status: criteria provided, single submitter. Criteria: GeneDx Variant Classification Process June 2021. Collection method: clinical testing. Allele origin: germline. Affected: yes.
Comment: Identified in the hemizygous state in a patient with a suspected inborn error of metabolism (IEM) with myoclonus and action tremor (PMID: 34440436); Not observed at significant frequency in large population cohorts (gnomAD); In silico analysis indicates that this missense variant does not alter protein structure/function; This variant is associated with the following publications: (PMID: 34440436)

Women's Health and Genetics/Laboratory Corporation of America, LabCorp
Classification: Uncertain significance. Last evaluated: 2023-08-11. Review status: criteria provided, single submitter. Criteria: LabCorp Variant Classification Summary - May 2015. Collection method: clinical testing. Allele origin: germline.
Comment: Variant summary: ATP7A c.2068G>C (p.Glu690Gln) results in a conservative amino acid change in the encoded protein sequence. Three of four in-silico tools predict a benign effect of the variant on protein function. The variant was absent in 183379 control chromosomes. The available data on variant occurrences in the general population are insufficient to allow any conclusion about variant significance. c.2068G>C has been reported in the literature in an individual with myoclonus action tremor (Barbosa-Gouveia_2021). These data do not allow any conclusion about variant significance. To our knowledge, no experimental evidence demonstrating an impact on protein function has been reported. The following publication have been ascertained in the context of this evaluation (PMID: 34440436). One submitter has cited clinical-significance assessments for this variant to ClinVar after 2014 and has classified the variant as uncertain significance. Based on the evidence outlined above, the variant was classified as uncertain significance.

Literature cited by the submitters: PubMed 14635105 (cited by Centre for Medical Genetics,  Mumbai); PubMed 34440436 (cited by 3 submitters).

NM_000052.7(ATP7A):c.2068G>C (p.Glu690Gln)

Gene: ATP7A (ATPase copper transporting alpha; plus strand). Cytogenetic location: Xq21.1.
Variant type: single nucleotide variant.
Coding change: c.2068G>C on transcript NM_000052.7 (MANE Select); coding-DNA position 2068, G replaced by C.
Protein change: p.Glu690Gln; replaces glutamic acid 690 with glutamine.
Molecular consequence: missense variant.
Genome position (GRCh38, 1-based): chrX:78,011,570, G>C. VCF-style: chrX-78011570-G-C. GRCh37 (hg19) VCF-style: chrX-77267067-G-C.
Other names: c.2068G>C (NM_000052.4, NM_000052.6); c.2068G>C, p.Glu690Gln (NM_001282224.2); short protein forms E690Q.
Identifiers: ClinVar variation 2039626 (VCV002039626.8), dbSNP rs72554641, ClinGen allele CA10459193.